The following is an entry in ClinVar:

ClinVar aggregate classification (germline): Benign. Review status: criteria provided, multiple submitters, no conflicts (2 of 4 stars). 5 submissions from 5 submitters: Benign (3). 2 of the submissions do not count toward it. Last evaluated 2021-11-07.

Conditions:
Dilated cardiomyopathy 1DD (CMD1DD). Identifiers: Orphanet 154, MedGen C2750995, MONDO:0013168, OMIM 613172.

Allele frequency attached by ClinVar (database versions not stated): TOPMed 0.30208; ESP Exome Variant Server 0.30355; 1000 Genomes Project 30x 0.30543; gnomAD 0.31080 and 0.31676; 1000 Genomes Project 0.31649; ExAC 0.35154; gnomAD exomes 0.36343.
gnomAD v4.1: 577,129 of 1,530,618 alleles (38%); highest among the groups gnomAD compares: East Asian, 57%; 112,696 homozygotes.

Submissions (5):

Genome-Nilou Lab
Classification: Benign for Dilated cardiomyopathy 1DD. Last evaluated: 2021-11-07. Review status: criteria provided, single submitter. Criteria: ACMG Guidelines, 2015. Collection method: clinical testing. Allele origin: germline. Affected: no.

GeneDx
Classification: Benign. Last evaluated: 2018-06-15. Review status: criteria provided, single submitter. Criteria: GeneDx Variant Classification (06012015). Collection method: clinical testing. Allele origin: germline. Affected: yes.
Comment: This variant is considered likely benign or benign based on one or more of the following criteria: it is a conservative change, it occurs at a poorly conserved position in the protein, it is predicted to be benign by multiple in silico algorithms, and/or has population frequency not consistent with disease.

Breakthrough Genomics
Classification: Benign. Review status: criteria provided, single submitter. Criteria: ACMG Guidelines, 2015. Collection method: not provided. Allele origin: germline. Inheritance: Autosomal dominant inheritance. Affected: yes.

Clinical Genetics DNA and cytogenetics Diagnostics Lab, Erasmus MC, Erasmus Medical Center
Classification: Benign. Review status: no assertion criteria provided. Collection method: clinical testing. Allele origin: germline. Affected: yes. Study: VKGL Data-share Consensus. Not counted in ClinVar's aggregate classification.

Joint Genome Diagnostic Labs from Nijmegen and Maastricht, Radboudumc and MUMC+
Classification: Benign. Review status: no assertion criteria provided. Collection method: clinical testing. Allele origin: germline. Affected: yes. Study: VKGL Data-share Consensus. Not counted in ClinVar's aggregate classification.

NM_001134363.3(RBM20):c.1880+23T>C

Gene: RBM20 (RNA binding motif protein 20; plus strand). Cytogenetic location: 10q25.2.
Variant type: single nucleotide variant.
Coding change: c.1880+23T>C on transcript NM_001134363.3 (MANE Select); 23 bases into the intron after coding-DNA position 1880, T replaced by C.
Molecular consequence: intron variant.
Genome position (GRCh38, 1-based): chr10:110,810,485, T>C. VCF-style: chr10-110810485-T-C. GRCh37 (hg19) VCF-style: chr10-112570243-T-C.
Identifiers: ClinVar variation 671388 (VCV000671388.7), dbSNP rs11195338, ClinGen allele CA5688639.